The following is an entry in ClinVar:

ClinVar aggregate classification (germline): Uncertain significance (1 of 4 stars; one submission).

Submission:

GeneDx
Classification: Uncertain significance. Last evaluated: 2024-04-15. Review status: criteria provided, single submitter. Criteria: GeneDx Variant Classification Process June 2021. Collection method: clinical testing. Allele origin: germline. Affected: yes.
Comment: Not observed at significant frequency in large population cohorts (gnomAD); In silico analysis supports that this missense variant has a deleterious effect on protein structure/function; Has not been previously published as pathogenic or benign to our knowledge

NM_006421.5(ARFGEF1):c.2225G>A (p.Arg742Lys)

Gene: ARFGEF1 (ARF guanine nucleotide exchange factor 1; minus strand). Cytogenetic location: 8q13.2.
Variant type: single nucleotide variant.
Coding change: c.2225G>A on transcript NM_006421.5 (MANE Select); coding-DNA position 2225, G replaced by A.
Protein change: p.Arg742Lys; replaces arginine 742 with lysine.
Molecular consequence: missense variant. On other transcripts: non-coding transcript variant (1).
Genome position (GRCh38, 1-based): chr8:67,259,825, C>T on the plus strand (G>A on the coding strand, the complement: ARFGEF1 is on the minus strand). VCF-style: chr8-67259825-C-T. GRCh37 (hg19) VCF-style: chr8-68172060-C-T.
Other names: c.2225G>A, p.Arg742Lys (NM_001413184.1, NM_001413185.1, NM_001413186.1 and 7 more transcripts); c.1625G>A, p.Arg542Lys (NM_001413188.1, NM_001413193.1, NM_001413197.1); c.800G>A, p.Arg267Lys (NM_001413196.1); short protein forms R267K, R542K, R742K.
Identifiers: ClinVar variation 3372606 (VCV003372606.1).
Genomic context (GRCh38, chr8:67,259,825, plus strand): 5'-AAATCCCAAGAATTTTACAGAAAAGGTTAGAATGAAAATGGTATTCTTACAGAGTCTAAT[C>T]TTTCCTCTTGATGTAAGAATTGGGCAATATCTTCAGGTGTGGTGCCAAGCATCCCTTGTT-3'
Protein context (NP_006412.2, residues 732-752): DIAQFLHQEE[Arg742Lys]LDSTQVGEFL